The following is an entry in ClinVar:

ClinVar aggregate classification (germline): Likely benign (1 of 4 stars; one submission).

Allele frequency attached by ClinVar (database versions not stated): 1000 Genomes Project 0.00339; 1000 Genomes Project 30x 0.00375; gnomAD 0.00483 and 0.00526; TOPMed 0.00499.
gnomAD v4.1: 725 of 152,302 alleles (0.48%); highest among the groups gnomAD compares: African/African-American, 1.7%; 8 homozygotes.

Submission:

GeneDx
Classification: Likely benign. Last evaluated: 2018-06-18. Review status: criteria provided, single submitter. Criteria: GeneDx Variant Classification (06012015). Collection method: clinical testing. Allele origin: germline. Affected: yes.
Comment: This variant is considered likely benign or benign based on one or more of the following criteria: it is a conservative change, it occurs at a poorly conserved position in the protein, it is predicted to be benign by multiple in silico algorithms, and/or has population frequency not consistent with disease.

NM_007078.3(LDB3):c.1676+267C>T

Gene: LDB3 (LIM domain binding 3; plus strand). Cytogenetic location: 10q23.2.
Variant type: single nucleotide variant.
Coding change: c.1676+267C>T on transcript NM_007078.3 (MANE Select); 267 bases into the intron after coding-DNA position 1676, C replaced by T.
Molecular consequence: intron variant.
Genome position (GRCh38, 1-based): chr10:86,717,038, C>T. VCF-style: chr10-86717038-C-T. GRCh37 (hg19) VCF-style: chr10-88476795-C-T.
Other names: c.1487+267C>T (NM_001368064.1, NM_001368065.1); c.1691+267C>T (NM_001171610.2); c.1535+267C>T (NM_001368066.1); c.1346+267C>T (NM_001080114.2).
Identifiers: ClinVar variation 683605 (VCV000683605.1), dbSNP rs184741262, ClinGen allele CA211208529.